The following is an entry in ClinVar:

ClinVar aggregate classification (germline): Likely benign. Review status: criteria provided, multiple submitters, no conflicts (2 of 4 stars). 2 submissions from 2 submitters: Likely benign (2). Last evaluated 2025-12-01.

Conditions:
H3-3A-related disorder. Also called: H3-3A-related condition.

gnomAD v4.1: 20 of 1,607,578 alleles (0.0012%); highest among the groups gnomAD compares: Admixed American, 0.034%; no homozygotes.

Submissions (2):

CeGaT Center for Human Genetics Tuebingen
Classification: Likely benign. Last evaluated: 2025-12-01. Review status: criteria provided, single submitter. Criteria: CeGaT Center For Human Genetics Tuebingen Variant Classification Criteria Version 2. Collection method: clinical testing. Allele origin: germline. Affected: yes. Observed: 1 variant allele.
Comment: H3-3A: BP4, BP7

PreventionGenetics, part of Exact Sciences
Classification: Likely benign for H3-3A-related condition. Last evaluated: 2024-10-30. Review status: criteria provided, single submitter. Criteria: ACMG Guidelines, 2015. Collection method: clinical testing. Allele origin: germline.
Comment: This variant is classified as likely benign based on ACMG/AMP sequence variant interpretation guidelines (Richards et al. 2015 PMID: 25741868, with internal and published modifications).

NM_002107.7(H3-3A):c.156T>A (p.Ile52=)

Gene: H3-3A (H3.3 histone A; plus strand). Cytogenetic location: 1q42.12.
Variant type: single nucleotide variant.
Coding change: c.156T>A on transcript NM_002107.7 (MANE Select); coding-DNA position 156, T replaced by A.
Protein change: p.Ile52=; no amino-acid change (isoleucine 52 retained).
Molecular consequence: synonymous variant.
Genome position (GRCh38, 1-based): chr1:226,065,683, T>A. VCF-style: chr1-226065683-T-A. GRCh37 (hg19) VCF-style: chr1-226253384-T-A.
Other names: c.156T>A (NM_002107.4); c.156T>A, p.Ile52= (NM_001379043.1, NM_001379045.1, NM_001379046.1 and 1 more transcripts).
Identifiers: ClinVar variation 4681861 (VCV004681861.6).